The following is an entry in ClinVar:

NM_000642.3(AGL):c.4347T>A (p.Pro1449=)

Gene: AGL (amylo-alpha-1,6-glucosidase and 4-alpha-glucanotransferase; plus strand). Cytogenetic location: 1p21.2.
Variant type: single nucleotide variant.
Coding change: c.4347T>A on transcript NM_000642.3 (MANE Select); coding-DNA position 4347, T replaced by A.
Protein change: p.Pro1449=; no amino-acid change (proline 1449 retained).
Molecular consequence: synonymous variant.
Genome position (GRCh38, 1-based): chr1:99,916,497, T>A. VCF-style: chr1-99916497-T-A. GRCh37 (hg19) VCF-style: chr1-100382053-T-A.
Other names: c.4347T>A, p.Pro1449= (NM_000028.3, NM_000643.3, NM_000644.3 and 1 more transcripts); c.4299T>A, p.Pro1433= (NM_000646.3); c.4326T>A, p.Pro1442= (NM_001425326.1); c.4146T>A, p.Pro1382= (NM_001425327.1); c.4143T>A, p.Pro1381= (NM_001425328.1); c.4008T>A, p.Pro1336= (NM_001425329.1); c.3969T>A, p.Pro1323= (NM_001425332.1).
Identifiers: ClinVar variation 1951241 (VCV001951241.3), dbSNP rs1248994378, ClinGen allele CA419314714.

ClinVar aggregate classification (germline): Uncertain significance (1 of 4 stars; one submission).

Conditions:
Glycogen storage disease type III (GSD3). Also called: FORBES DISEASE; Cori disease. Identifiers: Orphanet 366, MedGen C0017922, MONDO:0009291, OMIM 232400.

Allele frequency attached by ClinVar (database versions not stated): gnomAD exomes below 0.00001.
gnomAD v4.1: 2 of 1,609,184 alleles (0.00012%); highest among the groups gnomAD compares: Admixed American, 0.0033%; no homozygotes.

Submission:

Labcorp Genetics (formerly Invitae), Labcorp
Classification: Uncertain significance for Glycogen storage disease type III. Last evaluated: 2025-06-03. Review status: criteria provided, single submitter. Criteria: Invitae Variant Classification Sherloc (09022015). Collection method: clinical testing. Allele origin: germline.
Comment: This sequence change affects codon 1449 of the AGL mRNA. It is a 'silent' change, meaning that it does not change the encoded amino acid sequence of the AGL protein. It affects a nucleotide within the consensus splice site. The frequency data for this variant in the population databases is considered unreliable, as metrics indicate poor data quality at this position in the gnomAD database. This variant has not been reported in the literature in individuals affected with AGL-related conditions. ClinVar contains an entry for this variant (Variation ID: 1951241). Algorithms developed to predict the effect of sequence changes on RNA splicing suggest that this variant is not likely to affect RNA splicing. In summary, the available evidence is currently insufficient to determine the role of this variant in disease. Therefore, it has been classified as a Variant of Uncertain Significance.